The following is an entry in ClinVar:

NM_025114.4(CEP290):c.1636G>C (p.Glu546Gln)

Gene: CEP290 (centrosomal protein 290; minus strand). Cytogenetic location: 12q21.32.
Variant type: single nucleotide variant.
Coding change: c.1636G>C on transcript NM_025114.4 (MANE Select); coding-DNA position 1636, G replaced by C.
Protein change: p.Glu546Gln; replaces glutamic acid 546 with glutamine.
Molecular consequence: missense variant.
Genome position (GRCh38, 1-based): chr12:88,118,558, C>G on the plus strand (G>C on the coding strand, the complement: CEP290 is on the minus strand). VCF-style: chr12-88118558-C-G. GRCh37 (hg19) VCF-style: chr12-88512335-C-G.
Other names: short protein forms E546Q.
Identifiers: ClinVar variation 1517309 (VCV001517309.5), dbSNP rs373498346, ClinGen allele CA385979016.

ClinVar aggregate classification (germline): Uncertain significance (1 of 4 stars; one submission).

Conditions:
Nephronophthisis. Also called: Juvenile Nephronophthisis. Identifiers: Orphanet 655, MedGen C0687120, MONDO:0019005, HP:0000090.
Meckel-Gruber syndrome. Also called: DYSENCEPHALIA SPLANCHNOCYSTICA; GRUBER SYNDROME; Dysencephalia splachnocystica. Identifiers: Orphanet 564, MedGen C0265215, MONDO:0018921.
Joubert syndrome. Also called: CEREBELLOPARENCHYMAL DISORDER IV; JOUBERT-BOLTSHAUSER SYNDROME; Familial aplasia of the vermis. Identifiers: Orphanet 475, MedGen C5979921, MONDO:0018772.

Submission:

Labcorp Genetics (formerly Invitae), Labcorp
Classification: Uncertain significance for Joubert syndrome; Meckel-Gruber syndrome; Nephronophthisis. Last evaluated: 2021-08-28. Review status: criteria provided, single submitter. Criteria: Invitae Variant Classification Sherloc (09022015). Collection method: clinical testing. Allele origin: germline.
Comment: This sequence change replaces glutamic acid with glutamine at codon 546 of the CEP290 protein (p.Glu546Gln). The glutamic acid residue is moderately conserved and there is a small physicochemical difference between glutamic acid and glutamine. This variant is not present in population databases (ExAC no frequency). This variant has not been reported in the literature in individuals affected with CEP290-related conditions. Algorithms developed to predict the effect of missense changes on protein structure and function are either unavailable or do not agree on the potential impact of this missense change (SIFT: "Tolerated"; PolyPhen-2: "Probably Damaging"; Align-GVGD: "Class C0"). In summary, the available evidence is currently insufficient to determine the role of this variant in disease. Therefore, it has been classified as a Variant of Uncertain Significance.